The following is an entry in ClinVar:

NM_001429.4(EP300):c.5155C>G (p.Gln1719Glu)

Gene: EP300 (EP300 lysine acetyltransferase; plus strand). Cytogenetic location: 22q13.2.
Variant type: single nucleotide variant.
Coding change: c.5155C>G on transcript NM_001429.4 (MANE Select); coding-DNA position 5155, C replaced by G.
Protein change: p.Gln1719Glu; replaces glutamine 1719 with glutamic acid.
Molecular consequence: missense variant.
Genome position (GRCh38, 1-based): chr22:41,176,866, C>G. VCF-style: chr22-41176866-C-G. GRCh37 (hg19) VCF-style: chr22-41572870-C-G.
Other names: c.5077C>G, p.Gln1693Glu (NM_001362843.2); short protein forms Q1693E, Q1719E.
Identifiers: ClinVar variation 3899625 (VCV003899625.2).

ClinVar aggregate classification (germline): Uncertain significance (1 of 4 stars; one submission).

Submission:

GeneDx
Classification: Uncertain significance. Last evaluated: 2025-08-13. Review status: criteria provided, single submitter. Criteria: GeneDx Variant Classification Process June 2021. Collection method: clinical testing. Allele origin: germline.
Comment: Not observed at significant frequency in large population cohorts (gnomAD); In silico analysis indicates that this missense variant does not alter protein structure/function; Has not been previously published as pathogenic or benign to our knowledge